The following is an entry in ClinVar:

ClinVar aggregate classification (germline): Uncertain significance. Review status: criteria provided, multiple submitters, no conflicts (2 of 4 stars). 2 submissions from 2 submitters: Uncertain significance (2). Last evaluated 2025-04-29.

Allele frequency attached by ClinVar (database versions not stated): ExAC 0.00012; ESP Exome Variant Server 0.00015; TOPMed 0.00029; gnomAD 0.00047; 1000 Genomes Project 30x 0.00062; 1000 Genomes Project 0.00080.
gnomAD v4.1: 130 of 1,612,556 alleles (0.0081%); highest among the groups gnomAD compares: African/African-American, 0.12%; 2 homozygotes.

Submissions (2):

Ambry Genetics
Classification: Uncertain significance. Last evaluated: 2025-04-29. Review status: criteria provided, single submitter. Criteria: Ambry Variant Classification Scheme 2023. Collection method: clinical testing. Allele origin: germline.

Labcorp Genetics (formerly Invitae), Labcorp
Classification: Uncertain significance. Last evaluated: 2022-09-28. Review status: criteria provided, single submitter. Criteria: Invitae Variant Classification Sherloc (09022015). Collection method: clinical testing. Allele origin: germline.
Comment: This sequence change replaces arginine, which is basic and polar, with tryptophan, which is neutral and slightly polar, at codon 3 of the EXOC6B protein (p.Arg3Trp). This variant is present in population databases (rs377738062, gnomAD 0.1%), and has an allele count higher than expected for a pathogenic variant. This variant has not been reported in the literature in individuals affected with EXOC6B-related conditions. Experimental studies and prediction algorithms are not available or were not evaluated, and the functional significance of this variant is currently unknown. In summary, the available evidence is currently insufficient to determine the role of this variant in disease. Therefore, it has been classified as a Variant of Uncertain Significance.

NM_015189.3(EXOC6B):c.7C>T (p.Arg3Trp)

Gene: EXOC6B (exocyst complex component 6B; minus strand). Cytogenetic location: 2p13.2.
Variant type: single nucleotide variant.
Coding change: c.7C>T on transcript NM_015189.3 (MANE Select); coding-DNA position 7, C replaced by T.
Protein change: p.Arg3Trp; replaces arginine 3 with tryptophan.
Molecular consequence: missense variant. On other transcripts: 5 prime UTR variant (1), non-coding transcript variant (2).
Genome position (GRCh38, 1-based): chr2:72,825,904, G>A on the plus strand (C>T on the coding strand, the complement: EXOC6B is on the minus strand). VCF-style: chr2-72825904-G-A. GRCh37 (hg19) VCF-style: chr2-73053033-G-A.
Other names: c.7C>T, p.Arg3Trp (NM_001321729.2, NM_001321730.2, NM_001321731.2 and 1 more transcripts); c.-167C>T (NM_001321734.2); c.7C>T (NM_015189.1); short protein forms R3W.
Identifiers: ClinVar variation 2418016 (VCV002418016.4), dbSNP rs377738062, ClinGen allele CA1708862.